The following is an entry in ClinVar:

NM_000548.5(TSC2):c.1744C>G (p.His582Asp)

Gene: TSC2 (TSC complex subunit 2; plus strand). Cytogenetic location: 16p13.3.
Variant type: single nucleotide variant.
Coding change: c.1744C>G on transcript NM_000548.5 (MANE Select); coding-DNA position 1744, C replaced by G.
Protein change: p.His582Asp; replaces histidine 582 with aspartic acid.
Molecular consequence: missense variant.
Genome position (GRCh38, 1-based): chr16:2,070,483, C>G. VCF-style: chr16-2070483-C-G. GRCh37 (hg19) VCF-style: chr16-2120484-C-G.
Other names: c.1744C>G, p.His582Asp (NM_021055.3, NM_001077183.3, NM_001114382.3 and 3 more transcripts); c.1633C>G, p.His545Asp (NM_001318827.2); c.1597C>G, p.His533Asp (NM_001318829.2); c.1144C>G, p.His382Asp (NM_001318831.2); c.1777C>G, p.His593Asp (NM_001318832.2); short protein forms H533D, H593D, H545D, H582D, H382D.
Identifiers: ClinVar variation 665753 (VCV000665753.8), dbSNP rs1385373190, ClinGen allele CA394272760.
Genomic context (GRCh38, chr16:2,070,483, plus strand): 5'-TGCGCCGTGGTGAGCTGCGTCCTCTCTCTGCAGACCAAGCTGTACACCCTGCCTGCAAGC[C>G]ACGCCACGCGTGTGTATGAGATGCTGGTCAGCCACATTCAGCTCCACTACAAGCACAGCT-3'
Protein context (NP_000539.2, residues 572-592): QTKLYTLPAS[His582Asp]ATRVYEMLVS

ClinVar aggregate classification (germline): Uncertain significance (1 of 4 stars; one submission).

Conditions:
Tuberous sclerosis 2 (TSC2). Identifiers: Orphanet 805, MedGen C1860707, MONDO:0013199, OMIM 613254.

gnomAD v4.1: 3 of 1,613,416 alleles (0.00019%); highest among the groups gnomAD compares: Non-Finnish European, 0.00025%; no homozygotes.

Submission:

Labcorp Genetics (formerly Invitae), Labcorp
Classification: Uncertain significance for Tuberous sclerosis 2. Last evaluated: 2025-12-29. Review status: criteria provided, single submitter. Criteria: Invitae Variant Classification Sherloc (09022015). Collection method: clinical testing. Allele origin: germline.
Comment: This sequence change replaces histidine, which is basic and polar, with aspartic acid, which is acidic and polar, at codon 582 of the TSC2 protein (p.His582Asp). This variant is not present in population databases (gnomAD no frequency). This variant has not been reported in the literature in individuals affected with TSC2-related conditions. ClinVar contains an entry for this variant (Variation ID: 665753). Invitae Evidence Modeling of protein sequence and biophysical properties (such as structural, functional, and spatial information, amino acid conservation, physicochemical variation, residue mobility, and thermodynamic stability) has been performed for this missense variant. However, the output from this modeling did not meet the statistical confidence thresholds required to predict the impact of this variant on TSC2 protein function. In summary, the available evidence is currently insufficient to determine the role of this variant in disease. Therefore, it has been classified as a Variant of Uncertain Significance.